The following is an entry in ClinVar:

ClinVar aggregate classification (germline): Likely benign. Review status: criteria provided, multiple submitters, no conflicts (2 of 4 stars). 2 submissions from 2 submitters: Likely benign (2). Last evaluated 2024-05-27.

Conditions:
Creatine transporter deficiency (CCDS1). Also called: SLC6A8-Related Creatine Transporter Deficiency; CREATINE TRANSPORTER DEFECT; CEREBRAL CREATINE DEFICIENCY SYNDROME 1; Mental retardation , X-linked with seizures, short stature and midface hypoplasia; Mental retardation , X-linked, with creatine transport deficiency; X-linked creatine transporter deficiency. Identifiers: Orphanet 52503, MedGen C1845862, MONDO:0010305, OMIM 300352.

Allele frequency attached by ClinVar (database versions not stated): gnomAD exomes below 0.00001 and 0.00001; ExAC 0.00001; TOPMed 0.00001.
gnomAD v4.1: 5 of 1,209,086 alleles (0.00041%); highest among the groups gnomAD compares: Admixed American, 0.0022%; no homozygotes.

Submissions (2):

Labcorp Genetics (formerly Invitae), Labcorp
Classification: Likely benign for Creatine transporter deficiency. Last evaluated: 2024-05-27. Review status: criteria provided, single submitter. Criteria: Invitae Variant Classification Sherloc (09022015). Collection method: clinical testing. Allele origin: germline.

GeneDx
Classification: Likely benign. Last evaluated: 2016-04-07. Review status: criteria provided, single submitter. Criteria: GeneDx Variant Classification (06012015). Collection method: clinical testing. Allele origin: germline. Affected: yes.
Comment: This variant is considered likely benign or benign based on one or more of the following criteria: it is a conservative change, it occurs at a poorly conserved position in the protein, it is predicted to be benign by multiple in silico algorithms, and/or has population frequency not consistent with disease.

NM_005629.4(SLC6A8):c.459C>T (p.Ala153=)

Gene: SLC6A8 (solute carrier family 6 member 8; plus strand). Cytogenetic location: Xq28.
Variant type: single nucleotide variant.
Coding change: c.459C>T on transcript NM_005629.4 (MANE Select); coding-DNA position 459, C replaced by T.
Protein change: p.Ala153=; no amino-acid change (alanine 153 retained).
Molecular consequence: synonymous variant.
Genome position (GRCh38, 1-based): chrX:153,691,368, C>T. VCF-style: chrX-153691368-C-T. GRCh37 (hg19) VCF-style: chrX-152956823-C-T.
Other names: c.459C>T, p.Ala153= (NM_001142805.2); c.114C>T, p.Ala38= (NM_001142806.1).
Identifiers: ClinVar variation 385207 (VCV000385207.11), dbSNP rs782593568, ClinGen allele CA10549198.